The following is an entry in ClinVar:

NM_000051.4(ATM):c.2166G>A (p.Leu722=)

Gene: ATM (ATM serine/threonine kinase; plus strand). Cytogenetic location: 11q22.3.
Variant type: single nucleotide variant.
Coding change: c.2166G>A on transcript NM_000051.4 (MANE Select); coding-DNA position 2166, G replaced by A.
Protein change: p.Leu722=; no amino-acid change (leucine 722 retained).
Molecular consequence: synonymous variant.
Genome position (GRCh38, 1-based): chr11:108,256,256, G>A. VCF-style: chr11-108256256-G-A. GRCh37 (hg19) VCF-style: chr11-108126983-G-A.
Other names: c.2166G>A, p.Leu722= (NM_001351834.2).
Identifiers: ClinVar variation 482655 (VCV000482655.6), dbSNP rs1555074886, ClinGen allele CA476672509.

ClinVar aggregate classification (germline): Uncertain significance (1 of 4 stars; one submission).

Conditions:
Hereditary cancer-predisposing syndrome. Also called: Neoplastic Syndromes, Hereditary; Tumor predisposition; Hereditary Cancer Syndrome; Hereditary neoplastic syndrome. Identifiers: Orphanet 140162, MedGen C0027672, MeSH D009386, MONDO:0015356.

Submission:

Ambry Genetics
Classification: Uncertain significance for Hereditary cancer-predisposing syndrome. Last evaluated: 2022-12-20. Review status: criteria provided, single submitter. Criteria: Ambry Variant Classification Scheme 2023. Collection method: clinical testing. Allele origin: germline.
Comment: The c.2166G>A variant (also known as p.L722L), located in coding exon 13 of the ATM gene, results from a G to A substitution at nucleotide position 2166. This nucleotide substitution does not change the leucine at codon 722. This nucleotide position is highly conserved in available vertebrate species. In silico splice site analysis predicts that this alteration will result in the creation or strengthening of a novel splice acceptor site; however, direct evidence is insufficient at this time (Ambry internal data). Since supporting evidence is limited at this time, the clinical significance of this alteration remains unclear.